The following is an entry in ClinVar:

ClinVar aggregate classification (germline): Likely benign (1 of 4 stars; one submission).

Submission:

CeGaT Center for Human Genetics Tuebingen
Classification: Likely benign. Last evaluated: 2022-04-01. Review status: criteria provided, single submitter. Criteria: CeGaT Center For Human Genetics Tuebingen Variant Classification Criteria Version 2. Collection method: clinical testing. Allele origin: germline. Affected: yes. Observed: 1 variant allele.
Comment: TRANK1: PM2:Supporting, BP4, BP7

NM_001329998.2(TRANK1):c.3726G>A (p.Leu1242=)

Gene: TRANK1 (tetratricopeptide repeat and ankyrin repeat containing 1; minus strand). Cytogenetic location: 3p22.2.
Variant type: single nucleotide variant.
Coding change: c.3726G>A on transcript NM_001329998.2 (MANE Select); coding-DNA position 3726, G replaced by A.
Protein change: p.Leu1242=; no amino-acid change (leucine 1242 retained).
Molecular consequence: synonymous variant.
Genome position (GRCh38, 1-based): chr3:36,855,996, C>T on the plus strand (G>A on the coding strand, the complement: TRANK1 is on the minus strand). VCF-style: chr3-36855996-C-T. GRCh37 (hg19) VCF-style: chr3-36897487-C-T.
Other names: c.3594G>A, p.Leu1198= (NM_014831.3).
Identifiers: ClinVar variation 2653658 (VCV002653658.24), dbSNP rs1559430216, ClinGen allele CA433324380.
Genomic context (GRCh38, chr3:36,855,996, plus strand): 5'-AAAAAATGGTTTGGGCAGAGAAGCATCAAGCAGAAGAAGCAGCTGCTTGGAAGTGACAAA[C>T]AGAGGAAAGTTCTCGTCCCTCAGGTCCTGGAGTTTGTGAATGTTGGGGTCCAGTGGTTTG-3'
Protein context (NP_001316927.1, residues 1232-1252): LQDLRDENFP[Leu1242=]FVTSKQLLLL